The following is an entry in ClinVar:

ClinVar aggregate classification (germline): Uncertain significance (1 of 4 stars; one submission).

Conditions:
Inborn genetic diseases. Identifiers: MedGen C0950123, MeSH D030342.

gnomAD v4.1: 1 of 1,614,120 alleles (0.000062%); highest among the groups gnomAD compares: Non-Finnish European, 0.000085%; no homozygotes.

Submission:

Ambry Genetics
Classification: Uncertain significance for Inborn genetic diseases. Last evaluated: 2023-07-13. Review status: criteria provided, single submitter. Criteria: Ambry Variant Classification Scheme 2023. Collection method: clinical testing. Allele origin: germline.
Comment: The p.R271S variant (also known as c.813A>C), located in coding exon 7 of the BUB1B gene, results from an A to C substitution at nucleotide position 813. The arginine at codon 271 is replaced by serine, an amino acid with dissimilar properties. This amino acid position is conserved. In addition, this alteration is predicted to be tolerated by in silico analysis. Since supporting evidence is limited at this time, the clinical significance of this alteration remains unclear.

NM_001211.6(BUB1B):c.813A>C (p.Arg271Ser)

Gene: BUB1B (BUB1 mitotic checkpoint serine/threonine kinase B; plus strand). Cytogenetic location: 15q15.1.
Variant type: single nucleotide variant.
Coding change: c.813A>C on transcript NM_001211.6 (MANE Select); coding-DNA position 813, A replaced by C.
Protein change: p.Arg271Ser; replaces arginine 271 with serine.
Molecular consequence: missense variant.
Genome position (GRCh38, 1-based): chr15:40,185,226, A>C. VCF-style: chr15-40185226-A-C. GRCh37 (hg19) VCF-style: chr15-40477427-A-C.
Other names: short protein forms R271S.
Identifiers: ClinVar variation 2585914 (VCV002585914.2), dbSNP rs2542535402, ClinGen allele CA391684125.
Genomic context (GRCh38, chr15:40,185,226, plus strand): 5'-TCCAAGCCAGAACAGAGGACTCCAAAATCCATTTCCTCAACAGATGCAAAATAATAGTAG[A>C]ATTACTGTTTTTGATGAAAATGCTGATGAGGCTTCTACAGCAGAGTTGTCTAAGCCTACA-3'
Protein context (NP_001202.5, residues 261-281): PFPQQMQNNS[Arg271Ser]ITVFDENADE